The following is an entry in ClinVar:

ClinVar aggregate classification (germline): Conflicting classifications of pathogenicity. Review status: criteria provided, conflicting classifications (1 of 4 stars). 5 submissions from 4 submitters: Uncertain significance (2); Likely benign (2). 1 of the submissions does not count toward it. Last evaluated 2026-01-26.

Conditions:
ABCC8-related disorder.
Transitory neonatal diabetes mellitus. Also called: Transient neonatal diabetes mellitus. Identifiers: MedGen C0342273, MONDO:0020525, HP:0008255.
Maturity-onset diabetes of the young (MODY). Also called: Maturity onset diabetes mellitus in young. Identifiers: Orphanet 552, MedGen C0342276, MONDO:0018911, HP:0004904.

Allele frequency attached by ClinVar (database versions not stated): gnomAD 0.00007 and 0.00008; TOPMed 0.00007; ExAC 0.00008; gnomAD exomes 0.00008 and 0.00009; ESP Exome Variant Server 0.00015.
gnomAD v4.1: 139 of 1,613,342 alleles (0.0086%); highest among the groups gnomAD compares: Middle Eastern, 0.016%; no homozygotes.

Submissions (5):

Labcorp Genetics (formerly Invitae), Labcorp
Classification: Likely benign. Last evaluated: 2026-01-26. Review status: criteria provided, single submitter. Criteria: Invitae Variant Classification Sherloc (09022015). Collection method: clinical testing. Allele origin: germline.

Genetic Services Laboratory, University of Chicago
Classification: Likely benign. Last evaluated: 2017-01-20. Review status: criteria provided, single submitter. Criteria: ACMG Guidelines, 2015. Collection method: clinical testing. Allele origin: germline. Affected: no.

Clinical Genomics, Uppaluri K&H Personalized Medicine Clinic
Classification: Uncertain significance for Maturity-onset diabetes of the young. Review status: criteria provided, single submitter. Criteria: K & H Uppaluri Personalized Medicine Clinic Variant Classification & Assertion Criteria_Updated V.1. Collection method: research. Allele origin: unknown. Inheritance: Somatic mutation.
Comment: Mutations in ABCC8 gene are associated with both neonatal diabetes mellitus as well as MODY. Patients with this mutation may have a better response to sulfonylureas. However, no sufficient evidence is found to ascertain the role of this particular variant (rs150956385) in MODY yet.

Clinical Genomics, Uppaluri K&H Personalized Medicine Clinic
Classification: Uncertain significance for Transitory neonatal diabetes mellitus. Review status: criteria provided, single submitter. Criteria: K & H Uppaluri Personalized Medicine Clinic Variant Classification & Assertion Criteria_Updated V.1. Collection method: research. Allele origin: unknown. Inheritance: Somatic mutation.
Comment: Mutations in ABCC8 gene are associated with both neonatal diabetes mellitus as well as MODY. Patients with this mutation may have a better response to sulfonylureas. However, no sufficient evidence is found to ascertain the role of this particular variant (rs150956385) in neonatal diabetes yet.

PreventionGenetics, part of Exact Sciences
Classification: Likely benign for ABCC8-related condition. Last evaluated: 2020-02-26. Review status: no assertion criteria provided. Collection method: clinical testing. Allele origin: germline. Not counted in ClinVar's aggregate classification.
Comment: This variant is classified as likely benign based on ACMG/AMP sequence variant interpretation guidelines (Richards et al. 2015 PMID: 25741868, with internal and published modifications).

Literature cited by the submitters: PubMed 16885549 (cited by Clinical Genomics, Uppaluri K&H Personalized Medicine Clinic); PubMed 21989597 (cited by Clinical Genomics, Uppaluri K&H Personalized Medicine Clinic); PubMed 27538677 (cited by Clinical Genomics, Uppaluri K&H Personalized Medicine Clinic); PubMed 18981553 (cited by Clinical Genomics, Uppaluri K&H Personalized Medicine Clinic); PubMed 32027066 (cited by Clinical Genomics, Uppaluri K&H Personalized Medicine Clinic); PubMed 16613899 (cited by Clinical Genomics, Uppaluri K&H Personalized Medicine Clinic); PubMed 18025408 (cited by Clinical Genomics, Uppaluri K&H Personalized Medicine Clinic); PubMed 32792356 (cited by Clinical Genomics, Uppaluri K&H Personalized Medicine Clinic).

NM_000352.6(ABCC8):c.1486C>T (p.Leu496=)

Gene: ABCC8 (ATP binding cassette subfamily C member 8; minus strand). Cytogenetic location: 11p15.1.
Variant type: single nucleotide variant.
Coding change: c.1486C>T on transcript NM_000352.6 (MANE Select); coding-DNA position 1486, C replaced by T.
Protein change: p.Leu496=; no amino-acid change (leucine 496 retained).
Molecular consequence: synonymous variant. On other transcripts: non-coding transcript variant (1).
Genome position (GRCh38, 1-based): chr11:17,442,864, G>A on the plus strand (C>T on the coding strand, the complement: ABCC8 is on the minus strand). VCF-style: chr11-17442864-G-A. GRCh37 (hg19) VCF-style: chr11-17464411-G-A.
Other names: c.1486C>T, p.Leu496= (NM_001287174.3, NM_001351295.2); c.1483C>T, p.Leu495= (NM_001351296.2, NM_001351297.2).
Identifiers: ClinVar variation 434037 (VCV000434037.19), dbSNP rs150956385, ClinGen allele CA5903551.